The following is an entry in ClinVar:

NM_001007553.3(CSDE1):c.112G>A (p.Gly38Arg)

Gene: CSDE1 (cold shock domain containing E1; minus strand). Cytogenetic location: 1p13.2.
Variant type: single nucleotide variant.
Coding change: c.112G>A on transcript NM_001007553.3 (MANE Select); coding-DNA position 112, G replaced by A.
Protein change: p.Gly38Arg; replaces glycine 38 with arginine.
Molecular consequence: missense variant.
Genome position (GRCh38, 1-based): chr1:114,739,779, C>T on the plus strand (G>A on the coding strand, the complement: CSDE1 is on the minus strand). VCF-style: chr1-114739779-C-T. GRCh37 (hg19) VCF-style: chr1-115282400-C-T.
Other names: c.250G>A, p.Gly84Arg (NM_001130523.3, NM_001242891.2); c.112G>A, p.Gly38Arg (NM_001242892.2, NM_001242893.2, NM_007158.6); c.250G>A (NM_001130523.2); short protein forms G38R, G84R.
Identifiers: ClinVar variation 4907196 (VCV004907196.2).

ClinVar aggregate classification (germline): Uncertain significance. Review status: criteria provided, multiple submitters, no conflicts (2 of 4 stars). 2 submissions from 2 submitters: Uncertain significance (2). Last evaluated 2026-03-31.

Submissions (2):

GeneDx
Classification: Uncertain significance. Last evaluated: 2026-03-31. Review status: criteria provided, single submitter. Criteria: GeneDx Variant Classification Process June 2021. Collection method: clinical testing. Allele origin: germline.
Comment: Not observed at significant frequency in large population cohorts (gnomAD); In silico analysis supports that this missense variant has a deleterious effect on protein structure/function; Has not been previously published as pathogenic or benign to our knowledge; In silico analysis suggests this variant may impact gene splicing. In the absence of RNA/functional studies, the actual effect of this sequence change is unknown.

Blueprint Genetics
Classification: Uncertain significance. Last evaluated: 2024-07-15. Review status: criteria provided, single submitter. Criteria: ACMG Guidelines, 2015. Collection method: clinical testing. Allele origin: germline.